The following is an entry in ClinVar:

ClinVar aggregate classification (germline): Uncertain significance. Review status: criteria provided, multiple submitters, no conflicts (2 of 4 stars). 5 submissions from 5 submitters: Uncertain significance (4). 1 of the submissions does not count toward it. Last evaluated 2026-02-20.

Conditions:
Bloom syndrome (BLM). Also called: Bloom-Torre-Machacek syndrome. Identifiers: Orphanet 125, MedGen C0005859, MONDO:0008876, OMIM 210900.
Hereditary cancer-predisposing syndrome. Also called: Hereditary Cancer Syndrome; Hereditary neoplastic syndrome; Neoplastic Syndromes, Hereditary; Tumor predisposition. Identifiers: Orphanet 140162, MedGen C0027672, MeSH D009386, MONDO:0015356.

Allele frequency attached by ClinVar (database versions not stated): gnomAD 0.00001; TOPMed 0.00001; gnomAD exomes 0.00002.
gnomAD v4.1: 28 of 1,614,060 alleles (0.0017%); highest among the groups gnomAD compares: Non-Finnish European, 0.0024%; no homozygotes.

Submissions (5):

St. Jude Molecular Pathology, St. Jude Children's Research Hospital
Classification: Uncertain significance for Bloom syndrome. Last evaluated: 2026-02-20. Review status: criteria provided, single submitter. Criteria: St. Jude Assertion Criteria 2020. Collection method: clinical testing. Allele origin: germline.
Comment: The BLM c.4059T>A p.(Ser1353Arg) m issense change has a maximum subpopulation frequency of 0.0065% in gnomAD v2.1.1. The in silico tool REVEL predicts a benign effect on protein function, but to our knowledge this prediction has not been confirmed by fu nctional studies. To our knowledge, this variant has not been reported in individuals with Bloom syndrome. In summary, the evidence currently available is insufficient to determine the clinical significance of this variant. It has therefore been classifi ed as of uncertain significance.

Labcorp Genetics (formerly Invitae), Labcorp
Classification: Uncertain significance for Bloom syndrome. Last evaluated: 2026-01-10. Review status: criteria provided, single submitter. Criteria: Invitae Variant Classification Sherloc (09022015). Collection method: clinical testing. Allele origin: germline.
Comment: This sequence change replaces serine, which is neutral and polar, with arginine, which is basic and polar, at codon 1353 of the BLM protein (p.Ser1353Arg). This variant is present in population databases (no rsID available, gnomAD 0.007%). This variant has not been reported in the literature in individuals affected with BLM-related conditions. ClinVar contains an entry for this variant (Variation ID: 405309). Invitae Evidence Modeling of protein sequence and biophysical properties (such as structural, functional, and spatial information, amino acid conservation, physicochemical variation, residue mobility, and thermodynamic stability) indicates that this missense variant is not expected to disrupt BLM protein function with a negative predictive value of 80%. In summary, the available evidence is currently insufficient to determine the role of this variant in disease. Therefore, it has been classified as a Variant of Uncertain Significance.

Ambry Genetics
Classification: Uncertain significance for Hereditary cancer-predisposing syndrome. Last evaluated: 2025-03-16. Review status: criteria provided, single submitter. Criteria: Ambry Variant Classification Scheme 2023. Collection method: clinical testing. Allele origin: germline.

Sema4
Classification: Uncertain significance for Hereditary cancer-predisposing syndrome. Last evaluated: 2021-05-06. Review status: criteria provided, single submitter. Criteria: Sema4 Curation Guidelines. Collection method: curation. Allele origin: germline.
Comment: The BLM c.4059T>A (p.S1353R) variant has not been reported in literature to our knowledge. This variant was observed in 1/15424 chromosomes in Non-Finnish European subpopulation according to the Genome Aggregation Database (PMID: 32461654). This variant has been reported in ClinVar (Variation ID 405309). In silico tools suggest the impact of the variant on protein function is benign, though these predictions have not been confirmed by functional studies. The overall evidence is insufficient to meet ACMG/AMP criteria for classifying it as benign or pathogenic. In summary, the clinical significance of this variant is currently uncertain.

Natera, Inc.
Classification: Uncertain significance for Bloom syndrome. Last evaluated: 2020-09-16. Review status: no assertion criteria provided. Collection method: clinical testing. Allele origin: germline. Not counted in ClinVar's aggregate classification.

NM_000057.4(BLM):c.4059T>A (p.Ser1353Arg)

Gene: BLM (BLM RecQ like helicase; plus strand). Cytogenetic location: 15q26.1.
Variant type: single nucleotide variant.
Coding change: c.4059T>A on transcript NM_000057.4 (MANE Select); coding-DNA position 4059, T replaced by A.
Protein change: p.Ser1353Arg; replaces serine 1353 with arginine.
Molecular consequence: missense variant.
Genome position (GRCh38, 1-based): chr15:90,811,389, T>A. VCF-style: chr15-90811389-T-A. GRCh37 (hg19) VCF-style: chr15-91354619-T-A.
Other names: c.4059T>A, p.Ser1353Arg (NM_001287246.2); c.3666T>A, p.Ser1222Arg (NM_001287247.2); c.2934T>A, p.Ser978Arg (NM_001287248.2); short protein forms S1353R, S1222R, S978R.
Identifiers: ClinVar variation 405309 (VCV000405309.17), dbSNP rs1060500646, ClinGen allele CA16614823.